The following is an entry in ClinVar:

NM_001267550.2(TTN):c.106397A>G (p.Tyr35466Cys)

Genes: TTN (titin; minus strand), TTN-AS1 (TTN antisense RNA 1; plus strand). Cytogenetic location: 2q31.2.
Variant type: single nucleotide variant.
Coding change: c.106397A>G on transcript NM_001267550.2 (MANE Select); coding-DNA position 106397, A replaced by G.
Protein change: p.Tyr35466Cys; replaces tyrosine 35466 with cysteine.
Molecular consequence: missense variant.
Genome position (GRCh38, 1-based): chr2:178,530,094, T>C on the plus strand (A>G on the coding strand, the complement: TTN is on the minus strand). VCF-style: chr2-178530094-T-C. GRCh37 (hg19) VCF-style: chr2-179394821-T-C.
Other names: c.101474A>G, p.Tyr33825Cys (NM_001256850.1); c.79202A>G, p.Tyr26401Cys (NM_003319.4); c.98693A>G, p.Tyr32898Cys (NM_133378.4); c.79577A>G, p.Tyr26526Cys (NM_133432.3); c.79778A>G, p.Tyr26593Cys (NM_133437.4); short protein forms Y26593C, Y26401C, Y26526C, Y32898C, Y33825C, Y35466C.
Identifiers: ClinVar variation 2943577 (VCV002943577.3), dbSNP rs2468352745, ClinGen allele CA349405532.
Genomic context (GRCh38, chr2:178,530,094, plus strand): 5'-TCAGAAGTATCAGTCTTATGAATTTCTAAGAAGAACCCTCCCTTGTCTTCAGAGAGTTTA[T>C]ATTTACCTCCTTGTGTAATGGCCTGTAGAATGCAAATGATTTGTGTTTTAAAAAGTGATT-3'
Protein context (NP_001254479.2, residues 35456-35476): DGKAITQGGK[Tyr35466Cys]KLSEDKGGFF

ClinVar aggregate classification (germline): Uncertain significance (1 of 4 stars; one submission).

Conditions:
Dilated cardiomyopathy 1G (CMD1G). Identifiers: Orphanet 154, MedGen C1858763, MONDO:0011400, OMIM 604145.
Autosomal recessive limb-girdle muscular dystrophy type 2J (LGMDR10). Also called: MUSCULAR DYSTROPHY, LIMB-GIRDLE, AUTOSOMAL RECESSIVE 10; Limb-girdle muscular dystrophy, type 2J. Identifiers: Orphanet 140922, MedGen C1837342, MONDO:0012127, OMIM 608807.

Submission:

Labcorp Genetics (formerly Invitae), Labcorp
Classification: Uncertain significance for Dilated cardiomyopathy 1G; Autosomal recessive limb-girdle muscular dystrophy type 2J. Last evaluated: 2023-10-19. Review status: criteria provided, single submitter. Criteria: Invitae Variant Classification Sherloc (09022015). Collection method: clinical testing. Allele origin: germline.
Comment: This sequence change replaces tyrosine, which is neutral and polar, with cysteine, which is neutral and slightly polar, at codon 35466 of the TTN protein (p.Tyr35466Cys). This variant is not present in population databases (gnomAD no frequency). This variant has not been reported in the literature in individuals affected with TTN-related conditions. Experimental studies and prediction algorithms are not available or were not evaluated, and the functional significance of this variant is currently unknown. This variant is located in the M band of TTN (PMID: 25589632). Variants in this region may be relevant for neuromuscular disorders, but have not been definitively shown to cause cardiomyopathy (PMID: 23975875). In summary, the available evidence is currently insufficient to determine the role of this variant in disease. Therefore, it has been classified as a Variant of Uncertain Significance.

Literature cited by the submitters: PubMed 25589632; PubMed 23975875.